The following is an entry in ClinVar:

ClinVar aggregate classification (germline): Uncertain significance. Review status: criteria provided, multiple submitters, no conflicts (2 of 4 stars). 3 submissions from 3 submitters: Uncertain significance (3). Last evaluated 2025-02-23.

Conditions:
Inborn genetic diseases. Identifiers: MedGen C0950123, MeSH D030342.
Focal segmental glomerulosclerosis 7 (FSGS7). Identifiers: Orphanet 656, MedGen C4014925, MONDO:0014451, OMIM 616002.
Renal coloboma syndrome (PAPRS). Also called: COLOBOMA OF OPTIC NERVE WITH RENAL DISEASE; OPTIC COLOBOMA, VESICOURETERAL REFLUX, AND RENAL ANOMALIES; OPTIC NERVE COLOBOMA WITH RENAL DISEASE; RENAL-COLOBOMA SYNDROME WITH MACULAR ABNORMALITIES; PAPILLORENAL SYNDROME WITH MILD OCULAR ABNORMALITIES; CONGENITAL ANOMALIES OF THE KIDNEY AND URINARY TRACT WITH OR WITHOUT OCULAR ABNORMALITIES. Identifiers: Orphanet 1475, MedGen C1852759, MONDO:0007352, OMIM 120330.

gnomAD v4.1: 29 of 1,614,078 alleles (0.0018%); highest among the groups gnomAD compares: South Asian, 0.0033%; no homozygotes.

Submissions (3):

Labcorp Genetics (formerly Invitae), Labcorp
Classification: Uncertain significance for Renal coloboma syndrome; Focal segmental glomerulosclerosis 7. Last evaluated: 2025-02-23. Review status: criteria provided, single submitter. Criteria: Invitae Variant Classification Sherloc (09022015). Collection method: clinical testing. Allele origin: germline.
Comment: This sequence change replaces arginine, which is basic and polar, with proline, which is neutral and non-polar, at codon 243 of the PAX2 protein (p.Arg243Pro). This variant is present in population databases (rs147636578, gnomAD 0.003%). This variant has not been reported in the literature in individuals affected with PAX2-related conditions. ClinVar contains an entry for this variant (Variation ID: 2434580). An algorithm developed to predict the effect of missense changes on protein structure and function (PolyPhen-2) suggests that this variant is likely to be disruptive. In summary, the available evidence is currently insufficient to determine the role of this variant in disease. Therefore, it has been classified as a Variant of Uncertain Significance.

Ambry Genetics
Classification: Uncertain significance for Inborn genetic diseases. Last evaluated: 2024-01-16. Review status: criteria provided, single submitter. Criteria: Ambry Variant Classification Scheme 2023. Collection method: clinical testing. Allele origin: germline.

Revvity Omics, Revvity
Classification: Uncertain significance. Last evaluated: 2019-11-02. Review status: criteria provided, single submitter. Criteria: ACMG Guidelines, 2015. Collection method: clinical testing. Allele origin: germline.

NM_000278.5(PAX2):c.728G>C (p.Arg243Pro)

Gene: PAX2 (paired box 2; plus strand). Cytogenetic location: 10q24.31.
Variant type: single nucleotide variant.
Coding change: c.728G>C on transcript NM_000278.5 (MANE Select); coding-DNA position 728, G replaced by C.
Protein change: p.Arg243Pro; replaces arginine 243 with proline.
Molecular consequence: missense variant.
Genome position (GRCh38, 1-based): chr10:100,806,541, G>C. VCF-style: chr10-100806541-G-C. GRCh37 (hg19) VCF-style: chr10-102566298-G-C.
Other names: c.821G>C, p.Arg274Pro (NM_001304569.2); c.797G>C, p.Arg266Pro (NM_003987.5, NM_003990.5); c.728G>C, p.Arg243Pro (NM_003988.5, NM_003989.5); short protein forms R243P, R266P, R274P.
Identifiers: ClinVar variation 2434580 (VCV002434580.7), dbSNP rs147636578, ClinGen allele CA5650836.